The following is an entry in ClinVar:

NM_014112.5(TRPS1):c.2945del (p.Gly982fs)

Gene: TRPS1 (transcriptional repressor GATA binding 1; minus strand). Cytogenetic location: 8q23.3.
Variant type: Deletion.
Coding change: c.2945del on transcript NM_014112.5 (MANE Select); coding-DNA position 2945, one base deleted (G; older notation c.2945delG).
Protein change: p.Gly982fs; shifts the reading frame from glycine 982.
Molecular consequence: frameshift variant.
Genome position (GRCh38, 1-based): chr8:115,414,963, C deleted on the plus strand (G on the coding strand, the reverse complement: TRPS1 is on the minus strand); the first of 4 consecutive C bases (chr8:115,414,963-115,414,966); deleting any one gives the same sequence. VCF-style (leftmost placement, unchanged base first): chr8-115414962-GC-G. GRCh37 (hg19) VCF-style: chr8-116427190-GC-G.
Other names: c.2918del, p.Gly973fs (NM_001282902.3); c.2924del, p.Gly975fs (NM_001282903.3); c.2906del, p.Gly969fs (NM_001330599.2); short protein forms G969fs, G973fs, G975fs, G982fs.
Identifiers: ClinVar variation 3600665 (VCV003600665.1).

ClinVar aggregate classification (germline): Likely pathogenic (1 of 4 stars; one submission).

Submission:

GeneDx
Classification: Likely pathogenic. Last evaluated: 2024-07-24. Review status: criteria provided, single submitter. Criteria: GeneDx Variant Classification Process June 2021. Collection method: clinical testing. Allele origin: germline. Affected: yes.
Comment: Frameshift variant predicted to result in protein truncation, as the last 313 amino acids are replaced with 11 different amino acids, and other loss-of-function variants have been reported downstream in HGMD; Not observed at significant frequency in large population cohorts (gnomAD); Has not been previously published as pathogenic or benign to our knowledge; This variant is associated with the following publications: (PMID: 24077912)